The following is an entry in ClinVar:

ClinVar aggregate classification (germline): Uncertain significance (1 of 4 stars; one submission).

gnomAD v4.1: 1 of 1,614,062 alleles (0.000062%); highest among the groups gnomAD compares: Non-Finnish European, 0.000085%; no homozygotes.

Submission:

GeneDx
Classification: Uncertain significance. Last evaluated: 2024-12-14. Review status: criteria provided, single submitter. Criteria: GeneDx Variant Classification Process June 2021. Collection method: clinical testing. Allele origin: germline. Affected: yes.
Comment: Not observed at significant frequency in large population cohorts (gnomAD); In silico analysis supports that this missense variant has a deleterious effect on protein structure/function; Has not been previously published as pathogenic or benign to our knowledge

NM_001145358.2(SIN3A):c.1093C>G (p.Leu365Val)

Gene: SIN3A (SIN3 transcription regulator family member A; minus strand). Cytogenetic location: 15q24.2.
Variant type: single nucleotide variant.
Coding change: c.1093C>G on transcript NM_001145358.2 (MANE Select); coding-DNA position 1093, C replaced by G.
Protein change: p.Leu365Val; replaces leucine 365 with valine.
Molecular consequence: missense variant.
Genome position (GRCh38, 1-based): chr15:75,410,202, G>C on the plus strand (C>G on the coding strand, the complement: SIN3A is on the minus strand). VCF-style: chr15-75410202-G-C. GRCh37 (hg19) VCF-style: chr15-75702543-G-C.
Other names: c.1093C>G, p.Leu365Val (NM_001145357.2, NM_015477.3); short protein forms L365V.
Identifiers: ClinVar variation 3903139 (VCV003903139.1).